The following is an entry in ClinVar:

ClinVar aggregate classification (germline): Uncertain significance (1 of 4 stars; one submission).

Conditions:
Progressive myoclonic epilepsy. Also called: Myoclonic Epilepsies, Progressive; Familial progressive myoclonic epilepsy; Myoclonus epilepsy; Progressive myoclonus epilepsy. Identifiers: Orphanet 308, Orphanet 98261, MedGen C0751778, MONDO:0020074.

Allele frequency attached by ClinVar (database versions not stated): gnomAD exomes 0.00001; ExAC 0.00005.
gnomAD v4.1: 3 of 1,537,692 alleles (0.0002%); highest among the groups gnomAD compares: South Asian, 0.0024%; no homozygotes.

Submission:

Labcorp Genetics (formerly Invitae), Labcorp
Classification: Uncertain significance for Progressive myoclonic epilepsy. Last evaluated: 2019-05-23. Review status: criteria provided, single submitter. Criteria: Invitae Variant Classification Sherloc (09022015). Collection method: clinical testing. Allele origin: germline.
Comment: In summary, the available evidence is currently insufficient to determine the role of this variant in disease. Therefore, it has been classified as a Variant of Uncertain Significance. Algorithms developed to predict the effect of missense changes on protein structure and function are either unavailable or do not agree on the potential impact of this missense change (SIFT: "Deleterious"; PolyPhen-2: "Probably Damaging"; Align-GVGD: "Class C0"). This variant has not been reported in the literature in individuals with EPM2A-related conditions. This variant is present in population databases (rs752244019, ExAC 0.01%). This sequence change replaces arginine with tryptophan at codon 91 of the EPM2A protein (p.Arg91Trp). The arginine residue is moderately conserved and there is a moderate physicochemical difference between arginine and tryptophan.

NM_005670.4(EPM2A):c.271C>T (p.Arg91Trp)

Genes: EPM2A-DT (EPM2A divergent transcript; plus strand), EPM2A (EPM2A glucan phosphatase, laforin; minus strand), LOC129997381 (ATAC-STARR-seq lymphoblastoid silent region 17642; plus strand). Cytogenetic location: 6q24.3.
Variant type: single nucleotide variant.
Coding change: c.271C>T on transcript NM_005670.4 (MANE Select); coding-DNA position 271, C replaced by T.
Protein change: p.Arg91Trp; replaces arginine 91 with tryptophan.
Molecular consequence: missense variant. On other transcripts: 5 prime UTR variant (2), intron variant (2).
Genome position (GRCh38, 1-based): chr6:145,735,228, G>A on the plus strand (C>T on the coding strand, the complement: EPM2A is on the minus strand). VCF-style: chr6-145735228-G-A. GRCh37 (hg19) VCF-style: chr6-146056364-G-A.
Other names: c.271C>T, p.Arg91Trp (NM_001018041.2, NM_001360057.2, NM_001368130.1); c.-399C>T (NM_001360071.2); c.-353C>T (NM_001368129.2); c.-114+680C>T (NM_001360064.2); c.-114+17C>T (NM_001368131.1); short protein forms R91W.
Identifiers: ClinVar variation 947752 (VCV000947752.8), dbSNP rs752244019, ClinGen allele CA4035227.